The following is an entry in ClinVar:

ClinVar aggregate classification (germline): Uncertain significance. Review status: criteria provided, multiple submitters, no conflicts (2 of 4 stars). 3 submissions from 3 submitters: Uncertain significance (2). 1 of the submissions does not count toward it. Last evaluated 2020-10-28.

Conditions:
Maple syrup urine disease type 1A (MSUD1A). Also called: MSUD type 1A. Identifiers: MedGen C1855369, MONDO:0023691, OMIM 248600.
Maple syrup urine disease type 1B (MSUD1B). Also called: MSUD type IB; MSUD type 3 (formerly); MSUD due to deficiency of e1-beta subunit of branched-chain alpha-keto acid dehydrogenase complex. Identifiers: MedGen C2930990, MONDO:0023692, OMIM 620698.

Allele frequency attached by ClinVar (database versions not stated): gnomAD exomes 0.00003 and 0.00005; ExAC 0.00005.
gnomAD v4.1: 47 of 1,613,942 alleles (0.0029%); highest among the groups gnomAD compares: South Asian, 0.049%; no homozygotes.

Submissions (3):

Revvity Omics, Revvity
Classification: Uncertain significance for Maple syrup urine disease type 1A. Last evaluated: 2020-10-28. Review status: criteria provided, single submitter. Criteria: ACMG Guidelines, 2015. Collection method: clinical testing. Allele origin: germline.

GeneDx
Classification: Uncertain significance. Last evaluated: 2017-04-18. Review status: criteria provided, single submitter. Criteria: GeneDx Variant Classification (06012015). Collection method: clinical testing. Allele origin: germline. Affected: yes.
Comment: The I390V variant in the BCKDHB gene has not been reported previously as a pathogenic variant, nor as a benign variant, to our knowledge. The I390V variant is observed in 6/16,512 (0.04%) alleles from individuals of South Asian background in the ExAC dataset (Lek et al., 2016). The I390V variant is a conservative amino acid substitution, which is not likely to impact secondary protein structure as these residues share similar properties. While this substitution occurs at a position that is conserved across species, in silico analysis is inconsistent in its predictions as to whether or not the variant is damaging to the protein structure/function. We interpret I390V as a variant of uncertain significance.

Natera, Inc.
Classification: Uncertain significance for Maple syrup urine disease type 1B. Last evaluated: 2019-10-28. Review status: no assertion criteria provided. Collection method: clinical testing. Allele origin: germline. Not counted in ClinVar's aggregate classification.

NM_183050.4(BCKDHB):c.1168A>G (p.Ile390Val)

Gene: BCKDHB (branched chain keto acid dehydrogenase E1 subunit beta; plus strand). Cytogenetic location: 6q14.1.
Variant type: single nucleotide variant.
Coding change: c.1168A>G on transcript NM_183050.4 (MANE Select); coding-DNA position 1168, A replaced by G.
Protein change: p.Ile390Val; replaces isoleucine 390 with valine.
Molecular consequence: missense variant. On other transcripts: non-coding transcript variant (1).
Genome position (GRCh38, 1-based): chr6:80,343,793, A>G. VCF-style: chr6-80343793-A-G. GRCh37 (hg19) VCF-style: chr6-81053510-A-G.
Other names: c.1168A>G, p.Ile390Val (NM_000056.5); c.958A>G, p.Ile320Val (NM_001318975.1); short protein forms I390V, I320V.
Identifiers: ClinVar variation 426394 (VCV000426394.6), dbSNP rs753690047, ClinGen allele CA3902860.